The following is an entry in ClinVar:

ClinVar aggregate classification (germline): Pathogenic/Likely pathogenic. Review status: criteria provided, multiple submitters, no conflicts (2 of 4 stars). 5 submissions from 5 submitters: Pathogenic (3); Likely pathogenic (1). 1 of the submissions does not count toward it. Last evaluated 2025-09-02.

Conditions:
Bifunctional peroxisomal enzyme deficiency (DBIF). Also called: PBFE DEFICIENCY; DBP DEFICIENCY; D-bifunctional protein deficiency. Identifiers: Orphanet 300, MedGen C0342870, MONDO:0009855, OMIM 261515. Disease mechanism: loss of function.
Perrault syndrome. Also called: Gonadal dysgenesis with auditory dysfunction, autosomal recessive inheritance. Identifiers: Orphanet 2855, MedGen C0685838, MONDO:0017312.

Allele frequency attached by ClinVar (database versions not stated): gnomAD exomes below 0.00001.
gnomAD v4.1: 2 of 1,601,744 alleles (0.00012%); highest among the groups gnomAD compares: Non-Finnish European, 0.000086%; no homozygotes.

Submissions (5):

Mayo Clinic Laboratories, Mayo Clinic
Classification: Pathogenic. Last evaluated: 2025-09-02. Review status: criteria provided, single submitter. Criteria: ACMG Guidelines, 2015. Collection method: clinical testing. Allele origin: germline. Observed: 1 variant allele.
Comment: PP4, PM2_supporting, PM3, PVS1

Women's Health and Genetics/Laboratory Corporation of America, LabCorp
Classification: Likely pathogenic for Bifunctional peroxisomal enzyme deficiency. Last evaluated: 2025-01-30. Review status: criteria provided, single submitter. Criteria: LabCorp Variant Classification Summary - May 2015. Collection method: clinical testing. Allele origin: germline.
Comment: Variant summary: HSD17B4 c.1210-1G>A is located in a canonical splice-site and is predicted to affect mRNA splicing resulting in a significantly altered protein due to either exon skipping, shortening, or inclusion of intronic material. Variants that disrupt the consensus splice site are a relatively common cause of aberrant splicing and loss of HSD17B4 function. Several computational tools predict a significant impact on normal splicing: Three predict the variant abolishes a 3 acceptor site. However, these predictions have yet to be confirmed by functional studies. The variant was absent in 251028 control chromosomes (gnomAD). c.1210-1G>A has been reported in individuals affected with HSD17B4-related conditions (Internal testing, Gagnon_2023 ) These data indicate that the variant may be associated with disease. To our knowledge, no experimental evidence demonstrating an impact on protein function has been reported. The following publications has been ascertained in the context of this evaluation (PMID: 36649687). ClinVar contains an entry for this variant (Variation ID: 551541). Based on the evidence outlined above, the variant was classified as likely pathogenic.

Baylor Genetics
Classification: Pathogenic for Bifunctional peroxisomal enzyme deficiency. Last evaluated: 2024-02-27. Review status: criteria provided, single submitter. Criteria: ACMG Guidelines, 2015. Collection method: clinical testing. Allele origin: unknown.

Labcorp Genetics (formerly Invitae), Labcorp
Classification: Pathogenic for Perrault syndrome; Bifunctional peroxisomal enzyme deficiency. Last evaluated: 2023-04-06. Review status: criteria provided, single submitter. Criteria: Invitae Variant Classification Sherloc (09022015). Collection method: clinical testing. Allele origin: germline.
Comment: ClinVar contains an entry for this variant (Variation ID: 551541). Disruption of this splice site has been observed in individual(s) with clinical features of D-bifunctional protein deficiency (Invitae). In at least one individual the data is consistent with being in trans (on the opposite chromosome) from a pathogenic variant. This variant is not present in population databases (gnomAD no frequency). This sequence change affects an acceptor splice site in intron 13 of the HSD17B4 gene. It is expected to disrupt RNA splicing. Variants that disrupt the donor or acceptor splice site typically lead to a loss of protein function (PMID: 16199547), and loss-of-function variants in HSD17B4 are known to be pathogenic (PMID: 11810648, 16385454, 20673864). Algorithms developed to predict the effect of sequence changes on RNA splicing suggest that this variant may disrupt the consensus splice site. For these reasons, this variant has been classified as Pathogenic.

Counsyl
Classification: Likely pathogenic for Bifunctional peroxisomal enzyme deficiency. Last evaluated: 2017-04-18. Review status: no assertion criteria provided. Collection method: clinical testing. Allele origin: unknown. Not counted in ClinVar's aggregate classification.

Literature cited by the submitters: PubMed 36649687 (cited by Mayo Clinic Laboratories, Mayo Clinic and Women's Health and Genetics/Laboratory Corporation of America, LabCorp); PubMed 16199547 (cited by Labcorp Genetics (formerly Invitae), Labcorp); PubMed 11810648 (cited by Labcorp Genetics (formerly Invitae), Labcorp); PubMed 16385454 (cited by Labcorp Genetics (formerly Invitae), Labcorp); PubMed 20673864 (cited by Labcorp Genetics (formerly Invitae), Labcorp).

NM_000414.4(HSD17B4):c.1210-1G>A

Gene: HSD17B4 (hydroxysteroid 17-beta dehydrogenase 4; plus strand). Cytogenetic location: 5q23.1.
Variant type: single nucleotide variant.
Coding change: c.1210-1G>A on transcript NM_000414.4 (MANE Select); the canonical splice acceptor site of the intron before coding-DNA position 1210, G replaced by A.
Molecular consequence: splice acceptor variant.
Genome position (GRCh38, 1-based): chr5:119,502,040, G>A. VCF-style: chr5-119502040-G-A. GRCh37 (hg19) VCF-style: chr5-118837735-G-A.
Other names: c.799-1G>A (NM_001374503.1, NM_001374502.1, NM_001374501.1); c.1285-1G>A (NM_001199291.3); c.883-1G>A (NM_001374499.1); c.769-1G>A (NM_001374500.1); c.790-1G>A (NM_001292028.2); c.1138-1G>A (NM_001292027.2); c.1210-1G>A (NM_001374498.1); c.1201-1G>A (NM_001374497.1); and 1 more.
Identifiers: ClinVar variation 551541 (VCV000551541.18), dbSNP rs1554065671, ClinGen allele CA360868368.
Genomic context (GRCh38, chr5:119,502,040, plus strand): 5'-CATAGGCAGAACCTGTGGAGCAAGAAAGTTTGCTAATAAAATTTTGTTTACCCTAACATA[G>A]GTTCTTCATGGAGAGCAGTACTTAGAGTTATATAAACCACTTCCCAGAGCAGGTGAGTTA-3'